The following is an entry in ClinVar:

ClinVar aggregate classification (germline): Uncertain significance (1 of 4 stars; one submission).

Allele frequency attached by ClinVar (database versions not stated): gnomAD 0.00001; TOPMed 0.00001; ExAC 0.00002.
gnomAD v4.1: 5 of 1,613,926 alleles (0.00031%); highest among the groups gnomAD compares: African/African-American, 0.0027%; no homozygotes.

Submission:

Labcorp Genetics (formerly Invitae), Labcorp
Classification: Uncertain significance. Last evaluated: 2022-06-17. Review status: criteria provided, single submitter. Criteria: Invitae Variant Classification Sherloc (09022015). Collection method: clinical testing. Allele origin: germline.
Comment: In summary, the available evidence is currently insufficient to determine the role of this variant in disease. Therefore, it has been classified as a Variant of Uncertain Significance. This sequence change replaces alanine, which is neutral and non-polar, with valine, which is neutral and non-polar, at codon 21 of the MRPL44 protein (p.Ala21Val). This variant is present in population databases (rs767807980, gnomAD 0.007%). This variant has not been reported in the literature in individuals affected with MRPL44-related conditions. Algorithms developed to predict the effect of missense changes on protein structure and function output the following: SIFT: "Tolerated"; PolyPhen-2: "Benign"; Align-GVGD: "Class C0". The valine amino acid residue is found in multiple mammalian species, which suggests that this missense change does not adversely affect protein function.

NM_022915.5(MRPL44):c.62C>T (p.Ala21Val)

Genes: MRPL44 (mitochondrial ribosomal protein L44; plus strand), LOC129935704 (ATAC-STARR-seq lymphoblastoid active region 17184; plus strand). Cytogenetic location: 2q36.1.
Variant type: single nucleotide variant.
Coding change: c.62C>T on transcript NM_022915.5 (MANE Select); coding-DNA position 62, C replaced by T.
Protein change: p.Ala21Val; replaces alanine 21 with valine.
Molecular consequence: missense variant.
Genome position (GRCh38, 1-based): chr2:223,957,534, C>T. VCF-style: chr2-223957534-C-T. GRCh37 (hg19) VCF-style: chr2-224822251-C-T.
Other names: short protein forms A21V.
Identifiers: ClinVar variation 2166475 (VCV002166475.4), dbSNP rs767807980, ClinGen allele CA2138969.